The following is an entry in ClinVar:

ClinVar aggregate classification (germline): Uncertain significance (1 of 4 stars; one submission).

Submission:

Labcorp Genetics (formerly Invitae), Labcorp
Classification: Uncertain significance. Last evaluated: 2023-10-22. Review status: criteria provided, single submitter. Criteria: Invitae Variant Classification Sherloc (09022015). Collection method: clinical testing. Allele origin: germline.
Comment: This sequence change replaces proline, which is neutral and non-polar, with leucine, which is neutral and non-polar, at codon 526 of the CTNNB1 protein (p.Pro526Leu). This variant is not present in population databases (gnomAD no frequency). This variant has not been reported in the literature in individuals affected with CTNNB1-related conditions. Advanced modeling of protein sequence and biophysical properties (such as structural, functional, and spatial information, amino acid conservation, physicochemical variation, residue mobility, and thermodynamic stability) has been performed at Invitae for this missense variant, however the output from this modeling did not meet the statistical confidence thresholds required to predict the impact of this variant on CTNNB1 protein function. In summary, the available evidence is currently insufficient to determine the role of this variant in disease. Therefore, it has been classified as a Variant of Uncertain Significance.

NM_001904.4(CTNNB1):c.1577C>T (p.Pro526Leu)

Genes: CTNNB1 (catenin beta 1; plus strand), LOC126806659 (BRD4-independent group 4 enhancer GRCh37_chr3:41274918-41276117; plus strand). Cytogenetic location: 3p22.1.
Variant type: single nucleotide variant.
Coding change: c.1577C>T on transcript NM_001904.4 (MANE Select); coding-DNA position 1577, C replaced by T.
Protein change: p.Pro526Leu; replaces proline 526 with leucine.
Molecular consequence: missense variant.
Genome position (GRCh38, 1-based): chr3:41,234,191, C>T. VCF-style: chr3-41234191-C-T. GRCh37 (hg19) VCF-style: chr3-41275682-C-T.
Other names: c.1577C>T, p.Pro526Leu (NM_001098209.2, NM_001098210.2); c.1556C>T, p.Pro519Leu (NM_001330729.2); short protein forms P526L, P519L.
Identifiers: ClinVar variation 2770764 (VCV002770764.3), dbSNP rs2470834577, ClinGen allele CA352234165.